The following is an entry in ClinVar:

NM_001270.4(CHD1):c.3993G>A (p.Arg1331=)

Gene: CHD1 (chromodomain helicase DNA binding protein 1; minus strand). Cytogenetic location: 5q15.
Variant type: single nucleotide variant.
Coding change: c.3993G>A on transcript NM_001270.4 (MANE Select); coding-DNA position 3993, G replaced by A.
Protein change: p.Arg1331=; no amino-acid change (arginine 1331 retained).
Molecular consequence: synonymous variant. On other transcripts: non-coding transcript variant (2).
Genome position (GRCh38, 1-based): chr5:98,869,868, C>T on the plus strand (G>A on the coding strand, the complement: CHD1 is on the minus strand). VCF-style: chr5-98869868-C-T. GRCh37 (hg19) VCF-style: chr5-98205572-C-T.
Other names: c.3993G>A, p.Arg1331= (NM_001364113.3, NM_001376194.2).
Identifiers: ClinVar variation 2655609 (VCV002655609.24), dbSNP rs199762293, ClinGen allele CA3355802.

ClinVar aggregate classification (germline): Likely benign (1 of 4 stars; one submission).

gnomAD v4.1: 123 of 1,597,990 alleles (0.0077%); highest among the groups gnomAD compares: Non-Finnish European, 0.0097%; no homozygotes.

Submission:

CeGaT Center for Human Genetics Tuebingen
Classification: Likely benign. Last evaluated: 2025-05-01. Review status: criteria provided, single submitter. Criteria: CeGaT Center For Human Genetics Tuebingen Variant Classification Criteria Version 2. Collection method: clinical testing. Allele origin: germline. Affected: yes. Observed: 2 variant alleles.
Comment: CHD1: BP4, BP7